The following is an entry in ClinVar:

ClinVar aggregate classification (germline): Uncertain significance (1 of 4 stars; one submission).

Conditions:
Neuropathy, hereditary sensory, type 1F. Also called: HSN IF; Hereditary sensory neuropathy type IF. Identifiers: Orphanet 36386, MedGen C3810194, MONDO:0014286, OMIM 615632.

Submission:

Labcorp Genetics (formerly Invitae), Labcorp
Classification: Uncertain significance for Neuropathy, hereditary sensory, type 1F. Last evaluated: 2025-01-22. Review status: criteria provided, single submitter. Criteria: Invitae Variant Classification Sherloc (09022015). Collection method: clinical testing. Allele origin: germline.
Comment: This sequence change replaces leucine, which is neutral and non-polar, with phenylalanine, which is neutral and non-polar, at codon 466 of the ATL3 protein (p.Leu466Phe). This variant is present in population databases (rs779526841, gnomAD 0.008%). This variant has not been reported in the literature in individuals affected with ATL3-related conditions. Invitae Evidence Modeling of protein sequence and biophysical properties (such as structural, functional, and spatial information, amino acid conservation, physicochemical variation, residue mobility, and thermodynamic stability) indicates that this missense variant is not expected to disrupt ATL3 protein function with a negative predictive value of 80%. In summary, the available evidence is currently insufficient to determine the role of this variant in disease. Therefore, it has been classified as a Variant of Uncertain Significance.

NM_015459.5(ATL3):c.1396C>T (p.Leu466Phe)

Genes: ATL3 (atlastin GTPase 3; minus strand), LNCROPM (lncRNA regulator of PLAAT3 mediated phospholipid metabolism; plus strand). Cytogenetic location: 11q13.1.
Variant type: single nucleotide variant.
Coding change: c.1396C>T on transcript NM_015459.5 (MANE Select); coding-DNA position 1396, C replaced by T.
Protein change: p.Leu466Phe; replaces leucine 466 with phenylalanine.
Molecular consequence: missense variant.
Genome position (GRCh38, 1-based): chr11:63,631,183, G>A on the plus strand (C>T on the coding strand, the complement: ATL3 is on the minus strand). VCF-style: chr11-63631183-G-A. GRCh37 (hg19) VCF-style: chr11-63398655-G-A.
Other names: c.1342C>T, p.Leu448Phe (NM_001290048.2); short protein forms L466F, L448F.
Identifiers: ClinVar variation 3730090 (VCV003730090.2).